The following is an entry in ClinVar:

ClinVar aggregate classification (germline): Pathogenic (1 of 4 stars; one submission).

Conditions:
Mitochondrial trifunctional protein deficiency. Identifiers: Orphanet 746, MedGen C1969443, MONDO:0012172.
Long chain 3-hydroxyacyl-CoA dehydrogenase deficiency. Also called: Deficiency of long-chain 3-hydroxyacyl-coenzyme A dehydrogenase; LCHAD Deficiency. Identifiers: Orphanet 5, MedGen C3711645, MONDO:0012173, OMIM 609016.

Submission:

Labcorp Genetics (formerly Invitae), Labcorp
Classification: Pathogenic for Mitochondrial trifunctional protein deficiency; Long chain 3-hydroxyacyl-CoA dehydrogenase deficiency. Last evaluated: 2022-09-21. Review status: criteria provided, single submitter. Criteria: Invitae Variant Classification Sherloc (09022015). Collection method: clinical testing. Allele origin: germline.
Comment: This variant is a gross deletion of the genomic region encompassing exon(s) 15-17 of the HADHA gene. This deletion is out-of-frame, and is expected to create a premature termination codon and result in an absent or disrupted protein product. Loss-of-function variants in HADHA are known to be pathogenic (PMID: 7738175, 21103935, 21549624, 22459206). This variant has not been reported in the literature in individuals affected with HADHA-related conditions. For these reasons, this variant has been classified as Pathogenic.

Literature cited by the submitters: PubMed 7738175; PubMed 21103935; PubMed 21549624; PubMed 22459206.

NC_000002.11:g.(?_26416426)_(26418121_?)del

Gene: HADHA (hydroxyacyl-CoA dehydrogenase trifunctional multienzyme complex subunit alpha; minus strand). Cytogenetic location: 2p23.3.
Variant type: Deletion.
Identifiers: ClinVar variation 2422548 (VCV002422548.8).